The following is an entry in ClinVar:

ClinVar aggregate classification (germline): Uncertain significance. Review status: criteria provided, multiple submitters, no conflicts (2 of 4 stars). 2 submissions from 2 submitters: Uncertain significance (2). Last evaluated 2025-03-24.

Conditions:
Hereditary cancer-predisposing syndrome. Also called: Hereditary Cancer Syndrome; Tumor predisposition; Hereditary neoplastic syndrome; Neoplastic Syndromes, Hereditary. Identifiers: Orphanet 140162, MedGen C0027672, MeSH D009386, MONDO:0015356.
Renal cell carcinoma. Identifiers: Orphanet 217071, MedGen C0007134, MeSH D002292, MONDO:0005086, HP:0005584.

gnomAD v4.1: 1 of 1,614,008 alleles (0.000062%); highest among the groups gnomAD compares: Non-Finnish European, 0.000085%; no homozygotes.

Submissions (2):

Labcorp Genetics (formerly Invitae), Labcorp
Classification: Uncertain significance for Renal cell carcinoma. Last evaluated: 2025-03-24. Review status: criteria provided, single submitter. Criteria: Invitae Variant Classification Sherloc (09022015). Collection method: clinical testing. Allele origin: germline.
Comment: This sequence change replaces aspartic acid, which is acidic and polar, with tyrosine, which is neutral and polar, at codon 1249 of the MET protein (p.Asp1249Tyr). This variant is present in population databases (no rsID available, gnomAD 0.007%). This variant has not been reported in the literature in individuals affected with MET-related conditions. ClinVar contains an entry for this variant (Variation ID: 3395081). Invitae Evidence Modeling of protein sequence and biophysical properties (such as structural, functional, and spatial information, amino acid conservation, physicochemical variation, residue mobility, and thermodynamic stability) indicates that this missense variant is expected to disrupt MET protein function with a positive predictive value of 80%. In summary, the available evidence is currently insufficient to determine the role of this variant in disease. Therefore, it has been classified as a Variant of Uncertain Significance.

Ambry Genetics
Classification: Uncertain significance for Hereditary cancer-predisposing syndrome. Last evaluated: 2024-11-16. Review status: criteria provided, single submitter. Criteria: Ambry Variant Classification Scheme 2023. Collection method: clinical testing. Allele origin: germline.
Comment: The p.D1249Y variant (also known as c.3745G>T), located in coding exon 18 of the MET gene, results from a G to T substitution at nucleotide position 3745. The aspartic acid at codon 1249 is replaced by tyrosine, an amino acid with highly dissimilar properties. This amino acid position is conserved. In addition, this alteration is predicted to be deleterious by in silico analysis. Based on the available evidence, the clinical significance of this variant remains unclear.

NM_000245.4(MET):c.3691G>T (p.Asp1231Tyr)

Gene: MET (MET proto-oncogene, receptor tyrosine kinase; plus strand). Cytogenetic location: 7q31.2.
Variant type: single nucleotide variant.
Coding change: c.3691G>T on transcript NM_000245.4 (MANE Select); coding-DNA position 3691, G replaced by T.
Protein change: p.Asp1231Tyr; replaces aspartic acid 1231 with tyrosine.
Molecular consequence: missense variant.
Genome position (GRCh38, 1-based): chr7:116,783,362, G>T. VCF-style: chr7-116783362-G-T. GRCh37 (hg19) VCF-style: chr7-116423416-G-T.
Other names: c.3745G>T, p.Asp1249Tyr (NM_001127500.3); c.2401G>T, p.Asp801Tyr (NM_001324402.2); short protein forms D1231Y, D1249Y, D801Y.
Identifiers: ClinVar variation 3395081 (VCV003395081.2).